The following is an entry in ClinVar:

NM_016169.4(SUFU):c.989A>G (p.Gln330Arg)

Gene: SUFU (SUFU negative regulator of hedgehog signaling; plus strand). Cytogenetic location: 10q24.32.
Variant type: single nucleotide variant.
Coding change: c.989A>G on transcript NM_016169.4 (MANE Select); coding-DNA position 989, A replaced by G.
Protein change: p.Gln330Arg; replaces glutamine 330 with arginine.
Molecular consequence: missense variant.
Genome position (GRCh38, 1-based): chr10:102,599,511, A>G. VCF-style: chr10-102599511-A-G. GRCh37 (hg19) VCF-style: chr10-104359268-A-G.
Other names: c.989A>G, p.Gln330Arg (NM_001178133.2); short protein forms Q330R.
Identifiers: ClinVar variation 406385 (VCV000406385.13), dbSNP rs1060501107, ClinGen allele CA16612987.

ClinVar aggregate classification (germline): Conflicting classifications of pathogenicity. Review status: criteria provided, conflicting classifications (1 of 4 stars). 2 submissions from 2 submitters: Uncertain significance (1); Likely benign (1). Last evaluated 2025-12-22.

Conditions:
Gorlin syndrome. Also called: Basal cell nevus syndrome; Nevoid Basal Cell Carcinoma Syndrome. Identifiers: Orphanet 377, MedGen C0004779, MONDO:0007187.
Medulloblastoma (MDB). Also called: Medulloblastoma, somatic; MEDULLOBLASTOMA PREDISPOSITION SYNDROME. Identifiers: Orphanet 616, MedGen C0025149, MeSH D008527, MONDO:0007959, OMIM 155255, HP:0002885.
Hereditary cancer-predisposing syndrome. Also called: Neoplastic Syndromes, Hereditary; Tumor predisposition; Hereditary neoplastic syndrome; Hereditary Cancer Syndrome. Identifiers: Orphanet 140162, MedGen C0027672, MeSH D009386, MONDO:0015356.

Allele frequency attached by ClinVar (database versions not stated): gnomAD exomes below 0.00001.
gnomAD v4.1: 3 of 1,614,172 alleles (0.00019%); highest among the groups gnomAD compares: Non-Finnish European, 0.00017%; no homozygotes.

Submissions (2):

Ambry Genetics
Classification: Likely benign for Hereditary cancer-predisposing syndrome. Last evaluated: 2025-12-22. Review status: criteria provided, single submitter. Criteria: Ambry Variant Classification Scheme 2023. Collection method: clinical testing. Allele origin: germline.

Labcorp Genetics (formerly Invitae), Labcorp
Classification: Uncertain significance for Gorlin syndrome; Medulloblastoma. Last evaluated: 2024-11-03. Review status: criteria provided, single submitter. Criteria: Invitae Variant Classification Sherloc (09022015). Collection method: clinical testing. Allele origin: germline.
Comment: This sequence change replaces glutamine, which is neutral and polar, with arginine, which is basic and polar, at codon 330 of the SUFU protein (p.Gln330Arg). This variant is not present in population databases (gnomAD no frequency). This variant has not been reported in the literature in individuals affected with SUFU-related conditions. ClinVar contains an entry for this variant (Variation ID: 406385). Invitae Evidence Modeling of protein sequence and biophysical properties (such as structural, functional, and spatial information, amino acid conservation, physicochemical variation, residue mobility, and thermodynamic stability) indicates that this missense variant is not expected to disrupt SUFU protein function with a negative predictive value of 80%. In summary, the available evidence is currently insufficient to determine the role of this variant in disease. Therefore, it has been classified as a Variant of Uncertain Significance.